The following is an entry in ClinVar:

ClinVar aggregate classification (germline): Conflicting classifications of pathogenicity. Review status: criteria provided, conflicting classifications (1 of 4 stars). 2 submissions from 2 submitters: Likely pathogenic (1); Uncertain significance (1). Last evaluated 2021-08-24.

Conditions:
Arrhythmogenic cardiomyopathy with wooly hair and keratoderma. Also called: Carvajal syndrome; Dilated cardiomyopathy with woolly hair and keratoderma; Arrhythmogenic cardiomyopathy with woolly hair and keratoderma; PALMOPLANTAR KERATODERMA WITH LEFT VENTRICULAR CARDIOMYOPATHY AND WOOLLY HAIR. Identifiers: Orphanet 65282, MedGen C1854063, MONDO:0011581, OMIM 605676.
Arrhythmogenic right ventricular dysplasia 8 (ARVD8). Also called: ARRHYTHMOGENIC RIGHT VENTRICULAR DYSPLASIA, FAMILIAL, 8; ARRHYTHMOGENIC RIGHT VENTRICULAR CARDIOMYOPATHY 8; Arrhythmogenic Right Ventricular Dysplasia/Cardiomyopathy 8. Identifiers: MedGen C1843896, MONDO:0011831, OMIM 607450.

Submissions (2):

Labcorp Genetics (formerly Invitae), Labcorp
Classification: Uncertain significance for Arrhythmogenic cardiomyopathy with wooly hair and keratoderma; Arrhythmogenic right ventricular dysplasia 8. Last evaluated: 2021-08-24. Review status: criteria provided, single submitter. Criteria: Invitae Variant Classification Sherloc (09022015). Collection method: clinical testing. Allele origin: germline.
Comment: This sequence change creates a premature translational stop signal (p.Ser2815Glnfs*37) in the DSP gene. While this is not anticipated to result in nonsense mediated decay, it is expected to disrupt the last 57 amino acid(s) of the DSP protein. This variant is not present in population databases (ExAC no frequency). This variant has not been reported in the literature in individuals affected with DSP-related conditions. ClinVar contains an entry for this variant (Variation ID: 421616). In summary, the available evidence is currently insufficient to determine the role of this variant in disease. Therefore, it has been classified as a Variant of Uncertain Significance.

GeneDx
Classification: Likely pathogenic. Last evaluated: 2016-07-11. Review status: criteria provided, single submitter. Criteria: GeneDx Variant Classification (06012015). Collection method: clinical testing. Allele origin: germline. Affected: yes.
Comment: A novel c.8442dupC variant that is likely pathogenic was identified in the DSP gene. It has not been published as a pathogenic variant, nor has it been reported as a benign variant to our knowledge. This variant causes a shift in reading frame starting at codon Serine 2815, changing it to a Glutamine, and creating a premature stop codon at position 37 of the new reading frame, denoted p.Ser2815GlnfsX37. This likely pathogenic variant is expected to result in an abnormal, truncated protein product where the last 57 amino acids of the protein are replaced by 36 incorrect amino acids. This truncation may alter the ability of desmoplakin to bind to desmin. However, no studies have been performed to determine the functional effect of the c.8442dupC variant. In addition, no other downstream frameshift variants in the DSP gene have been reported in HGMD (Stenson et al., 2014). Finally, the c.8442dupC variant was not observed in approximately 6,500 individuals of European and African American ancestry in the NHLBI Exome Sequencing Project, indicating it is not a common benign variant in these populations.Therefore, this variant is likely pathogenic. In order to definitively determine its clinical significance, additional data is required.

NM_004415.4(DSP):c.8442dup (p.Ser2815fs)

Gene: DSP (desmoplakin; plus strand). Cytogenetic location: 6p24.3.
Variant type: Duplication.
Coding change: c.8442dup on transcript NM_004415.4 (MANE Select); coding-DNA position 8442, one base duplicated (C; older notation c.8442dupC).
Protein change: p.Ser2815fs; shifts the reading frame from serine 2815.
Molecular consequence: frameshift variant.
Genome position (GRCh38, 1-based): chr6:7,585,704, C duplicated; the last of 3 consecutive C bases (chr6:7,585,702-7,585,704); duplicating any one gives the same sequence. VCF-style (leftmost placement, unchanged base first): chr6-7585701-A-AC. GRCh37 (hg19) VCF-style: chr6-7585934-A-AC.
Other names: c.8442dup (LRG_423t1); c.6645dup, p.Ser2216fs (NM_001008844.3); c.7113dup, p.Ser2372fs (NM_001319034.2); short protein forms S2815fs, S2216fs, S2372fs.
Identifiers: ClinVar variation 421616 (VCV000421616.8), dbSNP rs1554109247, ClinGen allele CA16618329.